The following is an entry in ClinVar:

ClinVar aggregate classification (germline): Pathogenic (1 of 4 stars; one submission).

Conditions:
Inborn genetic diseases. Identifiers: MedGen C0950123, MeSH D030342.

Submission:

Ambry Genetics
Classification: Pathogenic for Inborn genetic diseases. Last evaluated: 2021-09-22. Review status: criteria provided, single submitter. Criteria: Ambry Variant Classification Scheme 2023. Collection method: clinical testing. Allele origin: germline.
Comment: The c.4117delT (p.Y1373Ifs*9) alteration, located in exon 18 (coding exon 18) of the ASPM gene, consists of a deletion of one nucleotide at position 4117, causing a translational frameshift with a predicted alternate stop codon after 9 amino acids. This alteration is expected to result in loss of function by premature protein truncation or nonsense-mediated mRNA decay. This variant was not reported in population-based cohorts in the Genome Aggregation Database (gnomAD). Based on the available evidence, this alteration is classified as pathogenic.

NM_018136.5(ASPM):c.4117del (p.Tyr1373fs)

Gene: ASPM (assembly factor for spindle microtubules; minus strand). Cytogenetic location: 1q31.3.
Variant type: Deletion.
Coding change: c.4117del on transcript NM_018136.5 (MANE Select); coding-DNA position 4117, one base deleted (T; older notation c.4117delT).
Protein change: p.Tyr1373fs; shifts the reading frame from tyrosine 1373.
Molecular consequence: frameshift variant. On other transcripts: intron variant (1).
Genome position (GRCh38, 1-based): chr1:197,105,134, A deleted on the plus strand (T on the coding strand, the reverse complement: ASPM is on the minus strand); the first of 2 consecutive A bases (chr1:197,105,134-197,105,135); deleting either gives the same sequence. VCF-style (leftmost placement, unchanged base first): chr1-197105133-TA-T. GRCh37 (hg19) VCF-style: chr1-197074263-TA-T.
Other names: c.4066-8970del (NM_001206846.2); short protein forms Y1373fs.
Identifiers: ClinVar variation 2243147 (VCV002243147.2), dbSNP rs2527307212, ClinGen allele CA2580061803.